The following is an entry in ClinVar:

NM_000038.6(APC):c.3755C>T (p.Ser1252Phe)

Gene: APC (APC regulator of Wnt signaling pathway; plus strand). Cytogenetic location: 5q22.2.
Variant type: single nucleotide variant.
Coding change: c.3755C>T on transcript NM_000038.6 (MANE Select); coding-DNA position 3755, C replaced by T.
Protein change: p.Ser1252Phe; replaces serine 1252 with phenylalanine.
Molecular consequence: missense variant.
Genome position (GRCh38, 1-based): chr5:112,839,349, C>T. VCF-style: chr5-112839349-C-T. GRCh37 (hg19) VCF-style: chr5-112175046-C-T.
Other names: c.3755C>T, p.Ser1252Phe (NM_001127510.3, NM_001354895.2); c.3701C>T, p.Ser1234Phe (NM_001127511.3); c.3809C>T, p.Ser1270Phe (NM_001354896.2); c.3785C>T, p.Ser1262Phe (NM_001354897.2); c.3680C>T, p.Ser1227Phe (NM_001354898.2); c.3671C>T, p.Ser1224Phe (NM_001354899.2); c.3632C>T, p.Ser1211Phe (NM_001354900.2); c.3578C>T, p.Ser1193Phe (NM_001354901.2); and 5 more; short protein forms S1234F, S1252F, S1126F, S1161F, S1193F, S1211F, S1224F, S1092F.
Identifiers: ClinVar variation 469939 (VCV000469939.23), dbSNP rs1554085281, ClinGen allele CA16029571.
Genomic context (GRCh38, chr5:112,839,349, plus strand): 5'-ATCCAAGTTCTGCACAGAGTAGAAGTGGTCAGCCTCAAAAGGCTGCCACTTGCAAAGTTT[C>T]TTCTATTAACCAAGAAACAATACAGACTTATTGTGTAGAAGATACTCCAATATGTTTTTC-3'
Protein context (NP_000029.2, residues 1242-1262): QPQKAATCKV[Ser1252Phe]SINQETIQTY

ClinVar aggregate classification (germline): Uncertain significance. Review status: criteria provided, multiple submitters, no conflicts (2 of 4 stars). 5 submissions from 5 submitters: Uncertain significance (5). Last evaluated 2025-07-15.

Conditions:
Hereditary cancer-predisposing syndrome. Also called: Hereditary neoplastic syndrome; Neoplastic Syndromes, Hereditary; Tumor predisposition; Hereditary Cancer Syndrome. Identifiers: Orphanet 140162, MedGen C0027672, MeSH D009386, MONDO:0015356.
Familial adenomatous polyposis 1 (FAP1). Also called: POLYPOSIS, ADENOMATOUS INTESTINAL; FAMILIAL ADENOMATOUS POLYPOSIS 1, ATTENUATED. Identifiers: MedGen C2713442, MONDO:0021056, OMIM 175100. Disease mechanism: loss of function.
Classic or attenuated familial adenomatous polyposis. Identifiers: MedGen CN372698, MONDO:0021057.

Submissions (5):

Labcorp Genetics (formerly Invitae), Labcorp
Classification: Uncertain significance for Familial adenomatous polyposis 1. Last evaluated: 2025-07-15. Review status: criteria provided, single submitter. Criteria: Invitae Variant Classification Sherloc (09022015). Collection method: clinical testing. Allele origin: germline.
Comment: This sequence change replaces serine, which is neutral and polar, with phenylalanine, which is neutral and non-polar, at codon 1252 of the APC protein (p.Ser1252Phe). This variant is not present in population databases (gnomAD no frequency). This variant has not been reported in the literature in individuals affected with APC-related conditions. ClinVar contains an entry for this variant (Variation ID: 469939). Invitae Evidence Modeling of protein sequence and biophysical properties (such as structural, functional, and spatial information, amino acid conservation, physicochemical variation, residue mobility, and thermodynamic stability) indicates that this missense variant is not expected to disrupt APC protein function with a negative predictive value of 95%. In summary, the available evidence is currently insufficient to determine the role of this variant in disease. Therefore, it has been classified as a Variant of Uncertain Significance.

Ambry Genetics
Classification: Uncertain significance for Hereditary cancer-predisposing syndrome. Last evaluated: 2025-05-23. Review status: criteria provided, single submitter. Criteria: Ambry Variant Classification Scheme 2023. Collection method: clinical testing. Allele origin: germline.
Comment: The p.S1252F variant (also known as c.3755C>T), located in coding exon 15 of the APC gene, results from a C to T substitution at nucleotide position 3755. The serine at codon 1252 is replaced by phenylalanine, an amino acid with highly dissimilar properties. This amino acid position is not well conserved in available vertebrate species. In addition, in silico predictors for this gene do not accurately predict pathogenicity. Missense alterations in APC are not a common cause of disease (Spier I et al. Genet Med. 2024 Feb;26(2):100992). Based on the available evidence, the clinical significance of this variant remains unclear.

All of Us Research Program, National Institutes of Health
Classification: Uncertain significance for Classic or attenuated familial adenomatous polyposis. Last evaluated: 2023-11-02. Review status: criteria provided, single submitter. Criteria: ACMG Guidelines, 2015. Collection method: clinical testing. Allele origin: germline. Inheritance: Autosomal dominant inheritance. Observed: 1 variant allele, 1 heterozygote.
Comment: This missense variant replaces serine with phenylalanine at codon 1252 of the APC protein. Computational prediction suggests that this variant may not impact protein structure and function (internally defined REVEL score threshold <= 0.5, PMID: 27666373). To our knowledge, functional studies have not been reported for this variant. This variant has not been reported in individuals affected with APC-related disorders in the literature. This variant has not been identified in the general population by the Genome Aggregation Database (gnomAD). The available evidence is insufficient to determine the role of this variant in disease conclusively. Therefore, this variant is classified as a Variant of Uncertain Significance.

This study involves interpretation of variants in research participants for the purpose of population health screening. Participant phenotype was not available at the time of variant classification. Additional details can be found in publication PMID: 35346344, PMCID: PMC8962531

Color Diagnostics, LLC DBA Color Health
Classification: Uncertain significance for Hereditary cancer-predisposing syndrome. Last evaluated: 2023-10-19. Review status: criteria provided, single submitter. Criteria: ACMG Guidelines, 2015. Collection method: clinical testing. Allele origin: germline.
Comment: This missense variant replaces serine with phenylalanine at codon 1252 of the APC protein. Computational prediction suggests that this variant may not impact protein structure and function (internally defined REVEL score threshold <= 0.5, PMID: 27666373). To our knowledge, functional studies have not been reported for this variant. This variant has not been reported in individuals affected with APC-related disorders in the literature. This variant has not been identified in the general population by the Genome Aggregation Database (gnomAD). The available evidence is insufficient to determine the role of this variant in disease conclusively. Therefore, this variant is classified as a Variant of Uncertain Significance.

GeneDx
Classification: Uncertain significance. Last evaluated: 2019-06-19. Review status: criteria provided, single submitter. Criteria: GeneDx Variant Classification Process June 2021. Collection method: clinical testing. Allele origin: germline. Affected: yes.
Comment: Not observed in large population cohorts (Lek et al., 2016); In silico analysis, which includes protein predictors and evolutionary conservation, supports that this variant does not alter protein structure/function; Has not been previously published as pathogenic or benign to our knowledge